The following is an entry in ClinVar:

NM_000100.4(CSTB):c.168G>A (p.Lys56=)

Gene: CSTB (cystatin B; minus strand). Cytogenetic location: 21q22.3.
Variant type: single nucleotide variant.
Coding change: c.168G>A on transcript NM_000100.4 (MANE Select); coding-DNA position 168, G replaced by A.
Protein change: p.Lys56=; no amino-acid change (lysine 56 retained).
Molecular consequence: synonymous variant.
Genome position (GRCh38, 1-based): chr21:43,774,658, C>T on the plus strand (G>A on the coding strand, the complement: CSTB is on the minus strand). VCF-style: chr21-43774658-C-T. GRCh37 (hg19) VCF-style: chr21-45194539-C-T.
Other names: NC_000021.8:g.45194539C>T.
Identifiers: ClinVar variation 55958 (VCV000055958.4), dbSNP rs386833440, ClinGen allele CA344718.
Genomic context (GRCh38, chr21:43,774,658, plus strand): 5'-CACAGGCGGTTTCCTACCAGCACCCGTTCGGGGCAGGCCCTCCTGAGGCCCACACTCTAC[C>T]TTGATGAAGTAGTTTGTCCCCGCGACCACCTGGCTCTTGAATGACACGGCCTTAAACACA-3'
Protein context (NP_000091.1, residues 46-66): QVVAGTNYFI[Lys56=]VHVGDEDFVH

ClinVar aggregate classification (germline): Likely pathogenic. Review status: no assertion criteria provided (0 of 4 stars). 2 submissions from 2 submitters: Likely pathogenic (1). 1 of the submissions does not count toward it.

Conditions:
Unverricht-Lundborg syndrome. Also called: Unverricht-Lundborg Disease; Progressive myoclonus epilepsy baltic myoclonic epilepsy; Myoclonus progressive epilepsy of Unverricht and Lundborg; EPILEPSY, PROGRESSIVE MYOCLONIC, 1A; Myoclonic epilepsy of unverricht and lundborg; Epilepsy, progressive myoclonic 1A (Unverricht and Lundborg). Identifiers: Orphanet 308, MedGen C0751785, MONDO:0009698, OMIM 254800.

Submissions (3):

Dr. Peter K. Rogan Lab, Western University
No classification provided (evidence only). Condition: Glioma susceptibility 1. Review status: no classification provided. Collection method: in vitro. Allele origin: not applicable. Functional consequence: skipped exon. Not counted in ClinVar's aggregate classification.

GeneReviews
No classification provided. Condition: Unverricht-Lundborg syndrome. Review status: no classification provided. Collection method: literature only. Allele origin: germline. Affected: yes. Not counted in ClinVar's aggregate classification.

Juha Muilu Group; Institute for Molecular Medicine Finland (FIMM)
Classification: Likely pathogenic for Unverricht-Lundborg syndrome. Review status: no assertion criteria provided. Collection method: not provided. Allele origin: unknown.
Comment: FinDis database variant: This variant was not found or characterized by our laboratory, data were collected from public sources: see reference
ClinVar note: Converted during submission from probable-pathogenic to Likely pathogenic.

Literature cited by the submitters: PubMed 11814737 (cited by GeneReviews); NCBI Bookshelf NBK1142 (cited by GeneReviews).